The following is an entry in ClinVar:

NM_005629.4(SLC6A8):c.1820G>A (p.Arg607Gln)

Gene: SLC6A8 (solute carrier family 6 member 8; plus strand). Cytogenetic location: Xq28.
Variant type: single nucleotide variant.
Coding change: c.1820G>A on transcript NM_005629.4 (MANE Select); coding-DNA position 1820, G replaced by A.
Protein change: p.Arg607Gln; replaces arginine 607 with glutamine.
Molecular consequence: missense variant.
Genome position (GRCh38, 1-based): chrX:153,695,126, G>A. VCF-style: chrX-153695126-G-A. GRCh37 (hg19) VCF-style: chrX-152960581-G-A.
Other names: c.1790G>A, p.Arg597Gln (NM_001142805.2); c.1475G>A, p.Arg492Gln (NM_001142806.1); short protein forms R492Q, R597Q, R607Q.
Identifiers: ClinVar variation 1305310 (VCV001305310.6), dbSNP rs1557045843, ClinGen allele CA415091159.
Genomic context (GRCh38, chrX:153,695,126, plus strand): 5'-TCCTGCAGCGCTGGCAGCACCTGACCCAGCCCATCTGGGGCCTCCACCACTTGGAGTACC[G>A]AGCTCAGGACGCAGATGTCAGGGGCCTGACCACCCTGACCCCAGTGTCCGAGAGCAGCAA-3'
Protein context (NP_005620.1, residues 597-617): PIWGLHHLEY[Arg607Gln]AQDADVRGLT

ClinVar aggregate classification (germline): Conflicting classifications of pathogenicity. Review status: criteria provided, conflicting classifications (1 of 4 stars). 3 submissions from 3 submitters: Uncertain significance (2); Likely benign (1). Last evaluated 2025-04-02.

Conditions:
Creatine transporter deficiency (CCDS1). Also called: Creatine Transporter (CRTR) Deficiency; Mental retardation , X-linked with seizures, short stature and midface hypoplasia; Mental retardation , X-linked, with creatine transport deficiency; X-linked creatine transporter deficiency; X-linked creatine deficiency syndrome; CEREBRAL CREATINE DEFICIENCY SYNDROME 1. Identifiers: Orphanet 52503, MedGen C1845862, MONDO:0010305, OMIM 300352.
Inborn genetic diseases. Identifiers: MedGen C0950123, MeSH D030342.

Allele frequency attached by ClinVar (database versions not stated): gnomAD 0.00001.

Submissions (3):

Labcorp Genetics (formerly Invitae), Labcorp
Classification: Uncertain significance for Creatine transporter deficiency. Last evaluated: 2025-04-02. Review status: criteria provided, single submitter. Criteria: Invitae Variant Classification Sherloc (09022015). Collection method: clinical testing. Allele origin: germline.
Comment: This sequence change replaces arginine, which is basic and polar, with glutamine, which is neutral and polar, at codon 607 of the SLC6A8 protein (p.Arg607Gln). The frequency data for this variant in the population databases is considered unreliable, as metrics indicate poor data quality at this position in the gnomAD database. This variant has not been reported in the literature in individuals affected with SLC6A8-related conditions. ClinVar contains an entry for this variant (Variation ID: 1305310). Invitae Evidence Modeling of protein sequence and biophysical properties (such as structural, functional, and spatial information, amino acid conservation, physicochemical variation, residue mobility, and thermodynamic stability) indicates that this missense variant is not expected to disrupt SLC6A8 protein function with a negative predictive value of 95%. In summary, the available evidence is currently insufficient to determine the role of this variant in disease. Therefore, it has been classified as a Variant of Uncertain Significance.

Ambry Genetics
Classification: Likely benign for Inborn genetic diseases. Last evaluated: 2024-11-05. Review status: criteria provided, single submitter. Criteria: Ambry Variant Classification Scheme 2023. Collection method: clinical testing. Allele origin: germline.

GeneDx
Classification: Uncertain significance. Last evaluated: 2019-05-02. Review status: criteria provided, single submitter. Criteria: GeneDx Variant Classification Process June 2021. Collection method: clinical testing. Allele origin: germline. Affected: yes.
Comment: Not observed in large population cohorts (Lek et al., 2016); In silico analysis, which includes protein predictors and evolutionary conservation, supports that this variant does not alter protein structure/function; Has not been previously published as pathogenic or benign to our knowledge